The following is an entry in ClinVar:

ClinVar aggregate classification (germline): Uncertain significance (1 of 4 stars; one submission).

Conditions:
Lipoic acid synthetase deficiency. Also called: HYPERGLYCINEMIA, LACTIC ACIDOSIS, AND SEIZURES. Identifiers: Orphanet 401859, MedGen C3280887, MONDO:0013762, OMIM 614462.

Allele frequency attached by ClinVar (database versions not stated): TOPMed 0.00001.

Submission:

Labcorp Genetics (formerly Invitae), Labcorp
Classification: Uncertain significance for Lipoic acid synthetase deficiency. Last evaluated: 2022-09-12. Review status: criteria provided, single submitter. Criteria: Invitae Variant Classification Sherloc (09022015). Collection method: clinical testing. Allele origin: germline.
Comment: In summary, the available evidence is currently insufficient to determine the role of this variant in disease. Therefore, it has been classified as a Variant of Uncertain Significance. Algorithms developed to predict the effect of missense changes on protein structure and function output the following: SIFT: "Deleterious"; PolyPhen-2: "Benign"; Align-GVGD: "Class C0". The leucine amino acid residue is found in multiple mammalian species, which suggests that this missense change does not adversely affect protein function. ClinVar contains an entry for this variant (Variation ID: 859391). This variant has not been reported in the literature in individuals affected with LIAS-related conditions. This variant is not present in population databases (gnomAD no frequency). This sequence change replaces arginine, which is basic and polar, with leucine, which is neutral and non-polar, at codon 4 of the LIAS protein (p.Arg4Leu).

NM_006859.4(LIAS):c.11G>T (p.Arg4Leu)

Genes: LIAS (lipoic acid synthetase; plus strand), LOC112939935 (Sharpr-MPRA regulatory region 11886; plus strand). Cytogenetic location: 4p14.
Variant type: single nucleotide variant.
Coding change: c.11G>T on transcript NM_006859.4 (MANE Select); coding-DNA position 11, G replaced by T.
Protein change: p.Arg4Leu; replaces arginine 4 with leucine.
Molecular consequence: missense variant.
Genome position (GRCh38, 1-based): chr4:39,459,128, G>T. VCF-style: chr4-39459128-G-T. GRCh37 (hg19) VCF-style: chr4-39460748-G-T.
Other names: c.11G>T, p.Arg4Leu (NM_001278590.2, NM_001278591.2, NM_001278592.2 and 2 more transcripts); short protein forms R4L.
Identifiers: ClinVar variation 859391 (VCV000859391.9), dbSNP rs1401099440, ClinGen allele CA356663473.